The following is an entry in ClinVar:

NM_016734.3(PAX5):c.790T>C (p.Tyr264His)

Gene: PAX5 (paired box 5; minus strand). Cytogenetic location: 9p13.2.
Variant type: single nucleotide variant.
Coding change: c.790T>C on transcript NM_016734.3 (MANE Select); coding-DNA position 790, T replaced by C.
Protein change: p.Tyr264His; replaces tyrosine 264 with histidine.
Molecular consequence: missense variant. On other transcripts: intron variant (2).
Genome position (GRCh38, 1-based): chr9:36,923,475, A>G on the plus strand (T>C on the coding strand, the complement: PAX5 is on the minus strand). VCF-style: chr9-36923475-A-G. GRCh37 (hg19) VCF-style: chr9-36923472-A-G.
Other names: c.790T>C, p.Tyr264His (NM_001280547.2, NM_001280548.2, NM_001280552.2); c.466T>C, p.Tyr156His (NM_001280551.2, NM_001280556.2); c.661T>C, p.Tyr221His (NM_001280553.2, NM_001280554.2); c.592T>C, p.Tyr198His (NM_001280555.2); c.780+43074T>C (NM_001280550.2, NM_001280549.2); short protein forms Y221H, Y156H, Y198H, Y264H.
Identifiers: ClinVar variation 3885955 (VCV003885955.1).

ClinVar aggregate classification (germline): Uncertain significance (1 of 4 stars; one submission).

Conditions:
Inborn genetic diseases. Identifiers: MedGen C0950123, MeSH D030342.

Submission:

Ambry Genetics
Classification: Uncertain significance for Inborn genetic diseases. Last evaluated: 2025-02-13. Review status: criteria provided, single submitter. Criteria: Ambry Variant Classification Scheme 2023. Collection method: clinical testing. Allele origin: germline.
Comment: The p.Y264H variant (also known as c.790T>C), located in coding exon 7 of the PAX5 gene, results from a T to C substitution at nucleotide position 790. The tyrosine at codon 264 is replaced by histidine, an amino acid with similar properties. This amino acid position is conserved. In addition, this alteration is predicted to be deleterious by in silico analysis. Based on the available evidence, the clinical significance of this variant remains unclear.